The following is an entry in ClinVar:

ClinVar aggregate classification (germline): Uncertain significance (1 of 4 stars; one submission).

Conditions:
ISL1-related disorder. Also called: ISL1-related condition.

Submission:

PreventionGenetics, part of Exact Sciences
Classification: Uncertain significance for ISL1-related condition. Last evaluated: 2026-02-24. Review status: criteria provided, single submitter. Criteria: ACMG Guidelines, 2015. Collection method: clinical testing. Allele origin: germline.
Comment: The ISL1 c.992T>C variant is predicted to result in the amino acid substitution p.Met331Thr. To our knowledge, this variant has not been reported in the literature. This variant is reported in 0.0054% of alleles in individuals of European (Non-Finnish) descent in gnomAD. At this time, the clinical significance of this variant is uncertain due to the absence of conclusive functional and genetic evidence.

NM_002202.3(ISL1):c.992T>C (p.Met331Thr)

Gene: ISL1 (ISL LIM homeobox 1; plus strand). Cytogenetic location: 5q11.1.
Variant type: single nucleotide variant.
Coding change: c.992T>C on transcript NM_002202.3 (MANE Select); coding-DNA position 992, T replaced by C.
Protein change: p.Met331Thr; replaces methionine 331 with threonine.
Molecular consequence: missense variant.
Genome position (GRCh38, 1-based): chr5:51,393,552, T>C. VCF-style: chr5-51393552-T-C. GRCh37 (hg19) VCF-style: chr5-50689386-T-C.
Other names: short protein forms M331T.
Identifiers: ClinVar variation 4979360 (VCV004979360.1).